The following is an entry in ClinVar:

NM_000593.6(TAP1):c.2219T>C (p.Val740Ala)

Genes: PSMB8-AS1 (PSMB8 antisense RNA 1; plus strand), TAP1 (transporter 1, ATP binding cassette subfamily B member; minus strand). Cytogenetic location: 6p21.32.
Variant type: single nucleotide variant.
Coding change: c.2219T>C on transcript NM_000593.6 (MANE Select); coding-DNA position 2219, T replaced by C.
Protein change: p.Val740Ala; replaces valine 740 with alanine.
Molecular consequence: missense variant. On other transcripts: non-coding transcript variant (4).
Genome position (GRCh38, 1-based): chr6:32,845,607, A>G on the plus strand (T>C on the coding strand, the complement: TAP1 is on the minus strand). VCF-style: chr6-32845607-A-G. GRCh37 (hg19) VCF-style: chr6-32813384-A-G.
Other names: c.1616T>C, p.Val539Ala (NM_001292022.2); short protein forms V800A, V539A, V740A.
Identifiers: ClinVar variation 466387 (VCV000466387.6), dbSNP rs1554242514, ClinGen allele CA363590273.

ClinVar aggregate classification (germline): Uncertain significance (1 of 4 stars; one submission).

Conditions:
MHC class I deficiency. Identifiers: Orphanet 34592, MedGen C6024714, MONDO:0011476.

Allele frequency attached by ClinVar (database versions not stated): gnomAD exomes below 0.00001.
gnomAD v4.1: 1 of 1,613,078 alleles (0.000062%); highest among the groups gnomAD compares: Admixed American, 0.0017%; no homozygotes.

Submission:

Labcorp Genetics (formerly Invitae), Labcorp
Classification: Uncertain significance for MHC class I deficiency 1. Last evaluated: 2024-10-29. Review status: criteria provided, single submitter. Criteria: Invitae Variant Classification Sherloc (09022015). Collection method: clinical testing. Allele origin: germline.
Comment: This sequence change replaces valine, which is neutral and non-polar, with alanine, which is neutral and non-polar, at codon 800 of the TAP1 protein (p.Val800Ala). This variant is not present in population databases (gnomAD no frequency). This variant has not been reported in the literature in individuals affected with TAP1-related conditions. ClinVar contains an entry for this variant (Variation ID: 466387). An algorithm developed to predict the effect of missense changes on protein structure and function (PolyPhen-2) suggests that this variant is likely to be tolerated. In summary, the available evidence is currently insufficient to determine the role of this variant in disease. Therefore, it has been classified as a Variant of Uncertain Significance.